The following is an entry in ClinVar:

NM_006393.3(NEBL):c.2876A>G (p.Tyr959Cys)

Gene: NEBL (nebulette; minus strand). Cytogenetic location: 10p12.31.
Variant type: single nucleotide variant.
Coding change: c.2876A>G on transcript NM_006393.3 (MANE Select); coding-DNA position 2876, A replaced by G.
Protein change: p.Tyr959Cys; replaces tyrosine 959 with cysteine.
Molecular consequence: missense variant. On other transcripts: synonymous variant (1).
Genome position (GRCh38, 1-based): chr10:20,785,916, T>C on the plus strand (A>G on the coding strand, the complement: NEBL is on the minus strand). VCF-style: chr10-20785916-T-C. GRCh37 (hg19) VCF-style: chr10-21074845-T-C.
Other names: c.642A>G, p.Leu214= (NM_001173484.2); c.737A>G, p.Tyr246Cys (NM_001377322.1); c.596A>G, p.Tyr199Cys (NM_001377323.1); c.587A>G, p.Tyr196Cys (NM_001377324.1); c.578A>G, p.Tyr193Cys (NM_001377325.1); c.536A>G, p.Tyr179Cys (NM_001377326.1, NM_001377327.1, NM_001377328.1); c.644A>G, p.Tyr215Cys (NM_213569.2); short protein forms Y179C, Y193C, Y196C, Y199C, Y215C, Y246C, Y959C.
Identifiers: ClinVar variation 2633313 (VCV002633313.1), dbSNP rs2491368070, ClinGen allele CA376092364.

ClinVar aggregate classification (germline): Uncertain significance (1 of 4 stars; one submission).

Conditions:
NEBL-related disorder. Also called: NEBL-related condition.

Allele frequency attached by ClinVar (database versions not stated): gnomAD exomes below 0.00001.
gnomAD v4.1: 1 of 1,613,824 alleles (0.000062%); highest among the groups gnomAD compares: East Asian, 0.0022%; no homozygotes.

Submission:

PreventionGenetics, part of Exact Sciences
Classification: Uncertain significance for NEBL-related condition. Last evaluated: 2023-05-04. Review status: criteria provided, single submitter. Criteria: ACMG Guidelines, 2015. Collection method: clinical testing. Allele origin: germline.
Comment: The NEBL c.2876A>G variant is predicted to result in the amino acid substitution p.Tyr959Cys. To our knowledge, this variant has not been reported in the literature or in a large population database, indicating this variant is rare. At this time, the clinical significance of this variant is uncertain due to the absence of conclusive functional and genetic evidence.